The following is an entry in ClinVar:

ClinVar aggregate classification (germline): Uncertain significance (1 of 4 stars; one submission).

Submission:

GeneDx
Classification: Uncertain significance. Last evaluated: 2025-06-04. Review status: criteria provided, single submitter. Criteria: GeneDx Variant Classification Process June 2021. Collection method: clinical testing. Allele origin: germline. Affected: yes.
Comment: Not observed at significant frequency in large population cohorts (gnomAD); In silico analysis suggests that this missense variant does not alter protein structure/function; Has not been previously published as pathogenic or benign to our knowledge

NM_182931.3(KMT2E):c.4042T>C (p.Cys1348Arg)

Gene: KMT2E (lysine methyltransferase 2E (inactive); plus strand). Cytogenetic location: 7q22.3.
Variant type: single nucleotide variant.
Coding change: c.4042T>C on transcript NM_182931.3 (MANE Select); coding-DNA position 4042, T replaced by C.
Protein change: p.Cys1348Arg; replaces cysteine 1348 with arginine.
Molecular consequence: missense variant.
Genome position (GRCh38, 1-based): chr7:105,110,842, T>C. VCF-style: chr7-105110842-T-C. GRCh37 (hg19) VCF-style: chr7-104751289-T-C.
Other names: c.3916T>C, p.Cys1306Arg (NM_001410908.1); c.4042T>C, p.Cys1348Arg (NM_018682.4); short protein forms C1306R, C1348R.
Identifiers: ClinVar variation 4536428 (VCV004536428.1).